The following is an entry in ClinVar:

NM_001164508.2(NEB):c.3989A>G (p.Tyr1330Cys)

Gene: NEB (nebulin; minus strand). Cytogenetic location: 2q23.3.
Variant type: single nucleotide variant.
Coding change: c.3989A>G on transcript NM_001164508.2 (MANE Select); coding-DNA position 3989, A replaced by G.
Protein change: p.Tyr1330Cys; replaces tyrosine 1330 with cysteine.
Molecular consequence: missense variant.
Genome position (GRCh38, 1-based): chr2:151,672,679, T>C on the plus strand (A>G on the coding strand, the complement: NEB is on the minus strand). VCF-style: chr2-151672679-T-C. GRCh37 (hg19) VCF-style: chr2-152529193-T-C.
Other names: c.3989A>G (NM_004543.4); c.3989A>G, p.Tyr1330Cys (NM_001164507.2, NM_001271208.2, NM_004543.5); short protein forms Y1330C.
Identifiers: ClinVar variation 465603 (VCV000465603.25), dbSNP rs189553632, ClinGen allele CA1910750.

ClinVar aggregate classification (germline): Conflicting classifications of pathogenicity. Review status: criteria provided, conflicting classifications (1 of 4 stars). 7 submissions from 7 submitters: Uncertain significance (5); Likely benign (1). 1 of the submissions does not count toward it. Last evaluated 2026-02-01.

Conditions:
Inborn genetic diseases. Identifiers: MedGen C0950123, MeSH D030342.
NEB-related disorder. Also called: NEB-related condition; NEB-Related Disorders.
Nemaline myopathy 2 (NEM2). Also called: Nemaline myopathy 2, autosomal recessive. Identifiers: MedGen C1850569, MONDO:0009725, OMIM 256030.

Allele frequency attached by ClinVar (database versions not stated): ESP Exome Variant Server 0.00017; gnomAD exomes 0.00017 and 0.00008; ExAC 0.00020; 1000 Genomes Project 0.00060; 1000 Genomes Project 30x 0.00062; gnomAD 0.00067 and 0.00071; TOPMed 0.00082.
gnomAD v4.1: 244 of 1,608,922 alleles (0.015%); highest among the groups gnomAD compares: African/African-American, 0.2%; 1 homozygote.

Submissions (7):

Labcorp Genetics (formerly Invitae), Labcorp
Classification: Likely benign for Nemaline myopathy 2. Last evaluated: 2026-02-01. Review status: criteria provided, single submitter. Criteria: Invitae Variant Classification Sherloc (09022015). Collection method: clinical testing. Allele origin: germline.

GeneDx
Classification: Uncertain significance. Last evaluated: 2024-08-16. Review status: criteria provided, single submitter. Criteria: GeneDx Variant Classification Process June 2021. Collection method: clinical testing. Allele origin: germline. Affected: yes.
Comment: In silico analysis supports that this missense variant has a deleterious effect on protein structure/function; Has not been previously published as pathogenic or benign to our knowledge

Women's Health and Genetics/Laboratory Corporation of America, LabCorp
Classification: Uncertain significance. Last evaluated: 2023-08-24. Review status: criteria provided, single submitter. Criteria: LabCorp Variant Classification Summary - May 2015. Collection method: clinical testing. Allele origin: germline.
Comment: Variant summary: NEB c.3989A>G (p.Tyr1330Cys) results in a non-conservative amino acid change in the encoded protein sequence. Four of five in-silico tools predict a damaging effect of the variant on protein function. Consensus agreement among computational tools predict no significant impact on normal splicing. However, these predictions have yet to be confirmed by functional studies. The variant allele was found at a frequency of 0.00024 in 277944 control chromosomes (gnomAD), predominantly at a frequency of 0.002 within the African or African-American subpopulation in the gnomAD database. This frequency is not significantly higher than estimated for a pathogenic variant in NEB causing Nemaline Myopathy 2 (0.00024 vs 0.0035), allowing no conclusion about variant significance. To our knowledge, no occurrence of c.3989A>G in individuals affected with Nemaline Myopathy 2 and no experimental evidence demonstrating its impact on protein function have been reported. Four ClinVar submitters have assessed the variant since 2014: three classified the variant as uncertain significance and one as likely benign. Based on the evidence outlined above, the variant was classified as uncertain significance.

Athena Diagnostics
Classification: Uncertain significance. Last evaluated: 2023-07-13. Review status: criteria provided, single submitter. Criteria: Athena Diagnostics Criteria. Collection method: clinical testing. Allele origin: unknown.
Comment: Available data are insufficient to determine the clinical significance of the variant at this time. The frequency of this variant in the general population is higher than would generally be expected for pathogenic variants in this gene. Computational tools disagree on the variant's effect on normal protein function.

Revvity Omics, Revvity
Classification: Uncertain significance. Last evaluated: 2022-10-28. Review status: criteria provided, single submitter. Criteria: ACMG Guidelines, 2015. Collection method: clinical testing. Allele origin: germline.

Ambry Genetics
Classification: Uncertain significance for Inborn genetic diseases. Last evaluated: 2021-07-21. Review status: criteria provided, single submitter. Criteria: Ambry Variant Classification Scheme 2023. Collection method: clinical testing. Allele origin: germline.

PreventionGenetics, part of Exact Sciences
Classification: Likely benign for NEB-related condition. Last evaluated: 2022-08-01. Review status: no assertion criteria provided. Collection method: clinical testing. Allele origin: germline. Not counted in ClinVar's aggregate classification.
Comment: This variant is classified as likely benign based on ACMG/AMP sequence variant interpretation guidelines (Richards et al. 2015 PMID: 25741868, with internal and published modifications).